The following is an entry in ClinVar:

ClinVar aggregate classification (germline): Uncertain significance. Review status: criteria provided, multiple submitters, no conflicts (2 of 4 stars). 2 submissions from 2 submitters: Uncertain significance (2). Last evaluated 2025-12-24.

Conditions:
Hereditary cancer-predisposing syndrome. Also called: Hereditary Cancer Syndrome; Hereditary neoplastic syndrome; Tumor predisposition; Neoplastic Syndromes, Hereditary. Identifiers: Orphanet 140162, MedGen C0027672, MeSH D009386, MONDO:0015356.
Cardiovascular phenotype. Identifiers: MedGen CN230736.

Submissions (2):

Labcorp Genetics (formerly Invitae), Labcorp
Classification: Uncertain significance. Last evaluated: 2025-12-24. Review status: criteria provided, single submitter. Criteria: Invitae Variant Classification Sherloc (09022015). Collection method: clinical testing. Allele origin: germline.
Comment: This sequence change replaces isoleucine, which is neutral and non-polar, with methionine, which is neutral and non-polar, at codon 625 of the LZTR1 protein (p.Ile625Met). This variant is not present in population databases (gnomAD no frequency). This variant has not been reported in the literature in individuals affected with LZTR1-related conditions. ClinVar contains an entry for this variant (Variation ID: 3541537). Invitae Evidence Modeling of protein sequence and biophysical properties (such as structural, functional, and spatial information, amino acid conservation, physicochemical variation, residue mobility, and thermodynamic stability) indicates that this missense variant is not expected to disrupt LZTR1 protein function with a negative predictive value of 80%. In summary, the available evidence is currently insufficient to determine the role of this variant in disease. Therefore, it has been classified as a Variant of Uncertain Significance.

Ambry Genetics
Classification: Uncertain significance for Cardiovascular phenotype; Hereditary cancer-predisposing syndrome. Last evaluated: 2024-09-03. Review status: criteria provided, single submitter. Criteria: Ambry Variant Classification Scheme 2023. Collection method: clinical testing. Allele origin: germline.
Comment: The p.I625M variant (also known as c.1875A>G), located in coding exon 16 of the LZTR1 gene, results from an A to G substitution at nucleotide position 1875. The isoleucine at codon 625 is replaced by methionine, an amino acid with highly similar properties. This amino acid position is conserved. In addition, this alteration is predicted to be tolerated by in silico analysis. Based on the available evidence, the clinical significance of this variant remains unclear.

NM_006767.4(LZTR1):c.1875A>G (p.Ile625Met)

Gene: LZTR1 (leucine zipper like post translational regulator 1; plus strand). Cytogenetic location: 22q11.21.
Variant type: single nucleotide variant.
Coding change: c.1875A>G on transcript NM_006767.4 (MANE Select); coding-DNA position 1875, A replaced by G.
Protein change: p.Ile625Met; replaces isoleucine 625 with methionine.
Molecular consequence: missense variant.
Genome position (GRCh38, 1-based): chr22:20,994,959, A>G. VCF-style: chr22-20994959-A-G. GRCh37 (hg19) VCF-style: chr22-21349248-A-G.
Other names: short protein forms I625M.
Identifiers: ClinVar variation 3541537 (VCV003541537.2).